The following is an entry in ClinVar:

NM_001386140.1(MTTP):c.302_313delinsAG (p.Ile101fs)

Gene: MTTP (microsomal triglyceride transfer protein; plus strand). Cytogenetic location: 4q23.
Variant type: Indel.
Coding change: c.302_313delinsAG on transcript NM_001386140.1 (MANE Select); coding-DNA positions 302 to 313, TCTTCAAAGGAA replaced by AG.
Protein change: p.Ile101fs; shifts the reading frame from isoleucine 101.
Molecular consequence: frameshift variant.
Genome position (GRCh38, 1-based): chr4:99,583,426-99,583,437, TCTTCAAAGGAA replaced by AG. VCF-style: chr4-99583426-TCTTCAAAGGAA-AG. GRCh37 (hg19) VCF-style: chr4-100504583-TCTTCAAAGGAA-AG.
Other names: c.302_313delinsAG, p.Ile101fs (NM_000253.4); c.53_64delinsAG, p.Ile18fs (NM_001300785.2); short protein forms I101fs, I18fs.
Identifiers: ClinVar variation 5010562 (VCV005010562.1).

ClinVar aggregate classification (germline): Pathogenic (1 of 4 stars; one submission).

Conditions:
Abetalipoproteinaemia (ABL). Also called: MTP DEFICIENCY; Abetalipoproteinemia; Abetalipoproteinemia neuropathy; Apolipoprotein B deficiency; Congenital betalipoprotein deficiency syndrome. Identifiers: Orphanet 14, MedGen C0000744, MONDO:0008692, OMIM 200100, HP:0008181.

Submission:

Myriad Genetics, Inc.
Classification: Pathogenic for Abetalipoproteinaemia. Last evaluated: 2024-05-14. Review status: criteria provided, single submitter. Criteria: Myriad Autosomal Dominant, Autosomal Recessive and X-Linked Classification Criteria (2023). Collection method: clinical testing. Allele origin: unknown.
Comment: NM_000253.2(MTTP):c.302_313del12ins2(I101Kfs*7) is expected to be pathogenic in the context of abetalipoproteinemia. This variant is predicted to lead to an abnormal or absent protein product due to the creation of a premature termination codon in MTTP, a gene where loss-of-function variants are known to be pathogenic. Please note: this variant was assessed in the context of healthy population screening.